The following is an entry in ClinVar:

ClinVar aggregate classification (germline): Uncertain significance. Review status: criteria provided, multiple submitters, no conflicts (2 of 4 stars). 2 submissions from 2 submitters: Uncertain significance (2). Last evaluated 2025-06-10.

Conditions:
Inborn genetic diseases. Identifiers: MedGen C0950123, MeSH D030342.

Submissions (2):

Ambry Genetics
Classification: Uncertain significance for Inborn genetic diseases. Last evaluated: 2025-06-10. Review status: criteria provided, single submitter. Criteria: Ambry Variant Classification Scheme 2023. Collection method: clinical testing. Allele origin: germline.

Labcorp Genetics (formerly Invitae), Labcorp
Classification: Uncertain significance. Last evaluated: 2022-08-04. Review status: criteria provided, single submitter. Criteria: Invitae Variant Classification Sherloc (09022015). Collection method: clinical testing. Allele origin: germline.
Comment: In summary, the available evidence is currently insufficient to determine the role of this variant in disease. Therefore, it has been classified as a Variant of Uncertain Significance. Algorithms developed to predict the effect of missense changes on protein structure and function are either unavailable or do not agree on the potential impact of this missense change (SIFT: "Deleterious"; PolyPhen-2: "Benign"; Align-GVGD: "Class C15"). This variant has not been reported in the literature in individuals affected with CNGA3-related conditions. This variant is not present in population databases (gnomAD no frequency). This sequence change replaces leucine, which is neutral and non-polar, with valine, which is neutral and non-polar, at codon 261 of the CNGA3 protein (p.Leu261Val).

NM_001298.3(CNGA3):c.781C>G (p.Leu261Val)

Gene: CNGA3 (cyclic nucleotide gated channel subunit alpha 3; plus strand). Cytogenetic location: 2q11.2.
Variant type: single nucleotide variant.
Coding change: c.781C>G on transcript NM_001298.3 (MANE Select); coding-DNA position 781, C replaced by G.
Protein change: p.Leu261Val; replaces leucine 261 with valine.
Molecular consequence: missense variant.
Genome position (GRCh38, 1-based): chr2:98,395,951, C>G. VCF-style: chr2-98395951-C-G. GRCh37 (hg19) VCF-style: chr2-99012414-C-G.
Other names: c.727C>G, p.Leu243Val (NM_001079878.2); c.781C>G (NM_001298.2); short protein forms L243V, L261V.
Identifiers: ClinVar variation 2084431 (VCV002084431.5), dbSNP rs1329749192, ClinGen allele CA347832134.
Genomic context (GRCh38, chr2:98,395,951, plus strand): 5'-CAGCATTACAAGACGACCACGCAGTTCAAGCTGGATGTGTTGTCCCTGGTCCCCACCGAC[C>G]TGGCTTACTTAAAGGTGGGCACAAACTACCCAGAAGTGAGGTTCAACCGCCTACTGAAGT-3'
Protein context (NP_001289.1, residues 251-271): LDVLSLVPTD[Leu261Val]AYLKVGTNYP